The following is an entry in ClinVar:

NM_152564.5(VPS13B):c.3564G>A (p.Thr1188=)

Gene: VPS13B (vacuolar protein sorting 13 homolog B; plus strand). Cytogenetic location: 8q22.2.
Variant type: single nucleotide variant.
Coding change: c.3564G>A on transcript NM_152564.5 (MANE Select); coding-DNA position 3564, G replaced by A.
Protein change: p.Thr1188=; no amino-acid change (threonine 1188 retained).
Molecular consequence: synonymous variant.
Genome position (GRCh38, 1-based): chr8:99,467,532, G>A. VCF-style: chr8-99467532-G-A. GRCh37 (hg19) VCF-style: chr8-100479760-G-A.
Other names: c.3564G>A, p.Thr1188= (NM_017890.5); c.3564G>A (NM_152564.4).
Identifiers: ClinVar variation 795332 (VCV000795332.11), dbSNP rs140905518, ClinGen allele CA4823275.

ClinVar aggregate classification (germline): Likely benign. Review status: criteria provided, multiple submitters, no conflicts (2 of 4 stars). 3 submissions from 3 submitters: Likely benign (2). 1 of the submissions does not count toward it. Last evaluated 2025-12-24.

Conditions:
Cohen syndrome (COH1). Also called: Cutis verticis gyrata, retinitis pigmentosa, and sensorineural deafness; PEPPER SYNDROME. Identifiers: Orphanet 193, MedGen C0265223, MONDO:0008999, OMIM 216550.
VPS13B-related disorder. Also called: VPS13B-related condition.

Allele frequency attached by ClinVar (database versions not stated): ExAC 0.00001; gnomAD exomes 0.00001; TOPMed 0.00002; gnomAD 0.00003 and 0.00004; ESP Exome Variant Server 0.00008.
gnomAD v4.1: 15 of 1,613,636 alleles (0.00093%); highest among the groups gnomAD compares: African/African-American, 0.008%; no homozygotes.

Submissions (3):

Labcorp Genetics (formerly Invitae), Labcorp
Classification: Likely benign for Cohen syndrome. Last evaluated: 2025-12-24. Review status: criteria provided, single submitter. Criteria: Invitae Variant Classification Sherloc (09022015). Collection method: clinical testing. Allele origin: germline.

Blueprint Genetics
Classification: Likely benign. Last evaluated: 2021-09-28. Review status: criteria provided, single submitter. Criteria: ACMG Guidelines, 2015. Collection method: clinical testing. Allele origin: germline.

PreventionGenetics, part of Exact Sciences
Classification: Likely benign for VPS13B-related condition. Last evaluated: 2024-04-30. Review status: no assertion criteria provided. Collection method: clinical testing. Allele origin: germline. Not counted in ClinVar's aggregate classification.
Comment: This variant is classified as likely benign based on ACMG/AMP sequence variant interpretation guidelines (Richards et al. 2015 PMID: 25741868, with internal and published modifications).